The following is an entry in ClinVar:

NM_001127173.3(CADM3):c.992C>A (p.Ala331Asp)

Genes: CADM3 (cell adhesion molecule 3; plus strand), CADM3-AS1 (CADM3 antisense RNA 1; minus strand). Cytogenetic location: 1q23.2.
Variant type: single nucleotide variant.
Coding change: c.992C>A on transcript NM_001127173.3 (MANE Select); coding-DNA position 992, C replaced by A.
Protein change: p.Ala331Asp; replaces alanine 331 with aspartic acid.
Molecular consequence: missense variant. On other transcripts: non-coding transcript variant (1).
Genome position (GRCh38, 1-based): chr1:159,199,790, C>A. VCF-style: chr1-159199790-C-A. GRCh37 (hg19) VCF-style: chr1-159169580-C-A.
Other names: c.854C>A, p.Ala285Asp (NM_001346510.2); c.1094C>A, p.Ala365Asp (NM_021189.5); short protein forms A285D, A331D, A365D.
Identifiers: ClinVar variation 4534424 (VCV004534424.6).

ClinVar aggregate classification (germline): Uncertain significance (1 of 4 stars; one submission).

gnomAD v4.1: 1 of 1,614,114 alleles (0.000062%); highest among the groups gnomAD compares: Non-Finnish European, 0.000085%; no homozygotes.

Submission:

CeGaT Center for Human Genetics Tuebingen
Classification: Uncertain significance. Last evaluated: 2025-11-01. Review status: criteria provided, single submitter. Criteria: CeGaT Center For Human Genetics Tuebingen Variant Classification Criteria Version 2. Collection method: clinical testing. Allele origin: germline. Affected: yes. Observed: 1 variant allele.
Comment: CADM3: PM2